The following is an entry in ClinVar:

ClinVar aggregate classification (germline): Conflicting classifications of pathogenicity. Review status: criteria provided, conflicting classifications (1 of 4 stars). 3 submissions from 3 submitters: Uncertain significance (2); Benign (1). Last evaluated 2024-03-11.

Conditions:
Inborn genetic diseases. Identifiers: MedGen C0950123, MeSH D030342.

Allele frequency attached by ClinVar (database versions not stated): gnomAD exomes 0.00003 and 0.00006; ExAC 0.00008; 1000 Genomes Project 30x 0.00016; gnomAD 0.00040 and 0.00043; ESP Exome Variant Server 0.00054.
gnomAD v4.1: 118 of 1,614,204 alleles (0.0073%); highest among the groups gnomAD compares: African/African-American, 0.14%; no homozygotes.

Submissions (3):

Blueprint Genetics
Classification: Benign. Last evaluated: 2024-03-11. Review status: criteria provided, single submitter. Criteria: ACMG Guidelines, 2015. Collection method: clinical testing. Allele origin: germline.

Labcorp Genetics (formerly Invitae), Labcorp
Classification: Uncertain significance. Last evaluated: 2022-08-16. Review status: criteria provided, single submitter. Criteria: Invitae Variant Classification Sherloc (09022015). Collection method: clinical testing. Allele origin: germline.
Comment: This sequence change replaces glycine, which is neutral and non-polar, with glutamic acid, which is acidic and polar, at codon 800 of the AGBL5 protein (p.Gly800Glu). This variant is present in population databases (rs150715804, gnomAD 0.1%). This variant has not been reported in the literature in individuals affected with AGBL5-related conditions. ClinVar contains an entry for this variant (Variation ID: 1054674). Algorithms developed to predict the effect of missense changes on protein structure and function output the following: SIFT: "Deleterious"; PolyPhen-2: "Benign"; Align-GVGD: "Class C0". The glutamic acid amino acid residue is found in multiple mammalian species, which suggests that this missense change does not adversely affect protein function. In summary, the available evidence is currently insufficient to determine the role of this variant in disease. Therefore, it has been classified as a Variant of Uncertain Significance.

Ambry Genetics
Classification: Uncertain significance for Inborn genetic diseases. Last evaluated: 2021-06-22. Review status: criteria provided, single submitter. Criteria: Ambry Variant Classification Scheme 2023. Collection method: clinical testing. Allele origin: germline.

NM_021831.6(AGBL5):c.2399G>A (p.Gly800Glu)

Gene: AGBL5 (AGBL carboxypeptidase 5; plus strand). Cytogenetic location: 2p23.3.
Variant type: single nucleotide variant.
Coding change: c.2399G>A on transcript NM_021831.6 (MANE Select); coding-DNA position 2399, G replaced by A.
Protein change: p.Gly800Glu; replaces glycine 800 with glutamic acid.
Molecular consequence: missense variant. On other transcripts: non-coding transcript variant (2).
Genome position (GRCh38, 1-based): chr2:27,069,616, G>A. VCF-style: chr2-27069616-G-A. GRCh37 (hg19) VCF-style: chr2-27292484-G-A.
Other names: c.2399G>A (NM_021831.5); short protein forms G800E.
Identifiers: ClinVar variation 1054674 (VCV001054674.6), dbSNP rs150715804, ClinGen allele CA1568245.
Genomic context (GRCh38, chr2:27,069,616, plus strand): 5'-AAACCCTGTCCACACAGGCTAGGCCCAGGTTGGGCCGGGGCTCACCGCCGACTCGCAGAG[G>A]GATGAAAGGCTCTTCAGGCCCCACATCCCCTACCCCCCGGACCAGGGAGAGCAGTGAGCT-3'
Protein context (NP_068603.4, residues 790-810): LGRGSPPTRR[Gly800Glu]MKGSSGPTSP